The following is an entry in ClinVar:

ClinVar aggregate classification (germline): Uncertain significance (1 of 4 stars; one submission).

Allele frequency attached by ClinVar (database versions not stated): gnomAD exomes below 0.00001; TOPMed below 0.00001.
gnomAD v4.1: 3 of 1,610,896 alleles (0.00019%); highest among the groups gnomAD compares: South Asian, 0.0022%; no homozygotes.

Submission:

Labcorp Genetics (formerly Invitae), Labcorp
Classification: Uncertain significance. Last evaluated: 2023-11-03. Review status: criteria provided, single submitter. Criteria: Invitae Variant Classification Sherloc (09022015). Collection method: clinical testing. Allele origin: germline.
Comment: This sequence change replaces threonine, which is neutral and polar, with alanine, which is neutral and non-polar, at codon 288 of the CENPJ protein (p.Thr288Ala). This variant is not present in population databases (gnomAD no frequency). This variant has not been reported in the literature in individuals affected with CENPJ-related conditions. Advanced modeling of protein sequence and biophysical properties (such as structural, functional, and spatial information, amino acid conservation, physicochemical variation, residue mobility, and thermodynamic stability) performed at Invitae indicates that this missense variant is not expected to disrupt CENPJ protein function with a negative predictive value of 80%. In summary, the available evidence is currently insufficient to determine the role of this variant in disease. Therefore, it has been classified as a Variant of Uncertain Significance.

NM_018451.5(CPAP):c.862A>G (p.Thr288Ala)

Gene: CPAP (centrosome assembly and centriole elongation protein; minus strand). Cytogenetic location: 13q12.13.
Variant type: single nucleotide variant.
Coding change: c.862A>G on transcript NM_018451.5 (MANE Select); coding-DNA position 862, A replaced by G.
Protein change: p.Thr288Ala; replaces threonine 288 with alanine.
Molecular consequence: missense variant. On other transcripts: non-coding transcript variant (2).
Genome position (GRCh38, 1-based): chr13:24,909,793, T>C on the plus strand (A>G on the coding strand, the complement: CPAP is on the minus strand). VCF-style: chr13-24909793-T-C. GRCh37 (hg19) VCF-style: chr13-25483931-T-C.
Other names: short protein forms T288A.
Identifiers: ClinVar variation 3013079 (VCV003013079.3), dbSNP rs932428711, ClinGen allele CA247085345.